The following is an entry in ClinVar:

NM_152383.5(DIS3L2):c.2551C>T (p.Leu851Phe)

Gene: DIS3L2 (DIS3 like 3'-5' exoribonuclease 2; plus strand). Cytogenetic location: 2q37.1.
Variant type: single nucleotide variant.
Coding change: c.2551C>T on transcript NM_152383.5 (MANE Select); coding-DNA position 2551, C replaced by T.
Protein change: p.Leu851Phe; replaces leucine 851 with phenylalanine.
Molecular consequence: missense variant. On other transcripts: non-coding transcript variant (2), intron variant (1).
Genome position (GRCh38, 1-based): chr2:232,336,523, C>T. VCF-style: chr2-232336523-C-T. GRCh37 (hg19) VCF-style: chr2-233201233-C-T.
Other names: c.1582-6822C>T (NM_001257281.2); short protein forms L851F.
Identifiers: ClinVar variation 410759 (VCV000410759.10), dbSNP rs1060503033, ClinGen allele CA16610710.

ClinVar aggregate classification (germline): Uncertain significance. Review status: criteria provided, multiple submitters, no conflicts (2 of 4 stars). 2 submissions from 2 submitters: Uncertain significance (2). Last evaluated 2025-08-21.

Conditions:
Perlman syndrome (PRLMNS). Identifiers: Orphanet 2849, MedGen C0796113, MONDO:0009965, OMIM 267000.
Inborn genetic diseases. Identifiers: MedGen C0950123, MeSH D030342.

Allele frequency attached by ClinVar (database versions not stated): gnomAD exomes below 0.00001.
gnomAD v4.1: 2 of 1,611,056 alleles (0.00012%); highest among the groups gnomAD compares: Non-Finnish European, 0.00017%; no homozygotes.

Submissions (2):

Ambry Genetics
Classification: Uncertain significance for Inborn genetic diseases. Last evaluated: 2025-08-21. Review status: criteria provided, single submitter. Criteria: Ambry Variant Classification Scheme 2023. Collection method: clinical testing. Allele origin: germline.

Labcorp Genetics (formerly Invitae), Labcorp
Classification: Uncertain significance for Perlman syndrome. Last evaluated: 2025-07-18. Review status: criteria provided, single submitter. Criteria: Invitae Variant Classification Sherloc (09022015). Collection method: clinical testing. Allele origin: germline.
Comment: This sequence change replaces leucine, which is neutral and non-polar, with phenylalanine, which is neutral and non-polar, at codon 851 of the DIS3L2 protein (p.Leu851Phe). This variant is present in population databases (no rsID available, gnomAD 0.0009%). This variant has not been reported in the literature in individuals affected with DIS3L2-related conditions. ClinVar contains an entry for this variant (Variation ID: 410759). Invitae Evidence Modeling of protein sequence and biophysical properties (such as structural, functional, and spatial information, amino acid conservation, physicochemical variation, residue mobility, and thermodynamic stability) indicates that this missense variant is not expected to disrupt DIS3L2 protein function with a negative predictive value of 80%. In summary, the available evidence is currently insufficient to determine the role of this variant in disease. Therefore, it has been classified as a Variant of Uncertain Significance.